The following is an entry in ClinVar:

NM_000138.5(FBN1):c.4100G>A (p.Cys1367Tyr)

Gene: FBN1 (fibrillin 1; minus strand). Cytogenetic location: 15q21.1.
Variant type: single nucleotide variant.
Coding change: c.4100G>A on transcript NM_000138.5 (MANE Select); coding-DNA position 4100, G replaced by A.
Protein change: p.Cys1367Tyr; replaces cysteine 1367 with tyrosine.
Molecular consequence: missense variant.
Genome position (GRCh38, 1-based): chr15:48,474,365, C>T on the plus strand (G>A on the coding strand, the complement: FBN1 is on the minus strand). VCF-style: chr15-48474365-C-T. GRCh37 (hg19) VCF-style: chr15-48766562-C-T.
Other names: c.4100G>A, p.Cys1367Tyr (NM_001406716.1); short protein forms C1367Y.
Identifiers: ClinVar variation 1325416 (VCV001325416.4), dbSNP rs2141279869, ClinGen allele CA392320356.

ClinVar aggregate classification (germline): Pathogenic/Likely pathogenic. Review status: criteria provided, multiple submitters, no conflicts (2 of 4 stars). 2 submissions from 2 submitters: Pathogenic (1); Likely pathogenic (1). Last evaluated 2021-10-15.

Conditions:
Familial thoracic aortic aneurysm and aortic dissection (TAAD). Also called: Thoracic aortic aneurysms and dissections. Identifiers: Orphanet 91387, MedGen C4707243, MONDO:0019625.
Marfan syndrome (MFS). Also called: Marfan syndrome type 1; Marfan's syndrome; FBN1-Related Marfan Syndrome; MARFAN SYNDROME, TYPE I; Marfan syndrome, classic. Identifiers: Orphanet 284963, Orphanet 558, MedGen C0024796, MONDO:0007947, OMIM 154700.

Submissions (2):

Ambry Genetics
Classification: Likely pathogenic for Familial thoracic aortic aneurysm and aortic dissection. Last evaluated: 2021-10-15. Review status: criteria provided, single submitter. Criteria: Ambry Variant Classification Scheme 2023. Collection method: clinical testing. Allele origin: germline.
Comment: The p.C1367Y variant (also known as c.4100G>A), located in coding exon 33 of the FBN1 gene, results from a G to A substitution at nucleotide position 4100. The cysteine at codon 1367 is replaced by tyrosine, an amino acid with highly dissimilar properties. This alteration has been reported in a Marfan syndrome cohort (Franken R et al. Eur Heart J, 2016 Nov;37:3285-3290). Based on internal structural assessment, this alteration eliminates a structurally critical disulfide bond in the structurally sensitive cbEGF domain #19. The majority of FBN1 mutations identified to date have involved the substitution or generation of cysteine residues within cbEGF domains (Vollbrandt T et al. J Biol Chem. 2004;279(31):32924-32931). Another alteration at the same codon, p.C1367R (c.4099T>C), has been reported in an individual with a clinical diagnosis of Marfan syndrome (Sakai H et al. Am J Med Genet A, 2006 Aug;140:1719-25). This variant is considered to be rare based on population cohorts in the Genome Aggregation Database (gnomAD). This amino acid position is highly conserved in available vertebrate species. In addition, this alteration is predicted to be deleterious by in silico analysis. Based on the majority of available evidence to date, this variant is likely to be pathogenic.

Centre of Medical Genetics, University of Antwerp
Classification: Pathogenic for Marfan syndrome. Last evaluated: 2021-03-01. Review status: criteria provided, single submitter. Criteria: Submitter's publication. Collection method: research. Allele origin: unknown. Affected: yes.
Comment: PM2, PVS2, PP4

Literature cited by the submitters: PubMed 26787436 (cited by Ambry Genetics).